The following is an entry in ClinVar:

NM_000143.4(FH):c.1402G>A (p.Ala468Thr)

Gene: FH (fumarate hydratase; minus strand). Cytogenetic location: 1q43.
Variant type: single nucleotide variant.
Coding change: c.1402G>A on transcript NM_000143.4 (MANE Select); coding-DNA position 1402, G replaced by A.
Protein change: p.Ala468Thr; replaces alanine 468 with threonine.
Molecular consequence: missense variant.
Genome position (GRCh38, 1-based): chr1:241,497,959, C>T on the plus strand (G>A on the coding strand, the complement: FH is on the minus strand). VCF-style: chr1-241497959-C-T. GRCh37 (hg19) VCF-style: chr1-241661259-C-T.
Other names: short protein forms A468T.
Identifiers: ClinVar variation 4692271 (VCV004692271.2).

ClinVar aggregate classification (germline): Uncertain significance. Review status: criteria provided, multiple submitters, no conflicts (2 of 4 stars). 2 submissions from 2 submitters: Uncertain significance (2). Last evaluated 2025-07-23.

gnomAD v4.1: 1 of 1,613,922 alleles (0.000062%); no homozygotes.

Submissions (2):

Labcorp Genetics (formerly Invitae), Labcorp
Classification: Uncertain significance. Last evaluated: 2025-07-23. Review status: criteria provided, single submitter. Criteria: Invitae Variant Classification Sherloc (09022015). Collection method: clinical testing. Allele origin: germline.
Comment: This sequence change replaces alanine, which is neutral and non-polar, with threonine, which is neutral and polar, at codon 468 of the FH protein (p.Ala468Thr). This variant is present in population databases (rs766749545, gnomAD 0.004%). This variant has not been reported in the literature in individuals affected with FH-related conditions. Invitae Evidence Modeling of protein sequence and biophysical properties (such as structural, functional, and spatial information, amino acid conservation, physicochemical variation, residue mobility, and thermodynamic stability) indicates that this missense variant is expected to disrupt FH protein function with a positive predictive value of 95%. In summary, the available evidence is currently insufficient to determine the role of this variant in disease. Therefore, it has been classified as a Variant of Uncertain Significance.

Blueprint Genetics
Classification: Uncertain significance. Last evaluated: 2021-09-20. Review status: criteria provided, single submitter. Criteria: ACMG Guidelines, 2015. Collection method: clinical testing. Allele origin: germline.